The following is an entry in ClinVar:

ClinVar aggregate classification (germline): Likely benign (0 of 4 stars; one submission).

Conditions:
SMAD7-related disorder. Also called: SMAD7-related condition.

Allele frequency attached by ClinVar (database versions not stated): TOPMed 0.00002; gnomAD 0.00003.
gnomAD v4.1: 6 of 1,485,298 alleles (0.0004%); highest among the groups gnomAD compares: African/African-American, 0.003%; no homozygotes.

Submission:

PreventionGenetics, part of Exact Sciences
Classification: Likely benign for SMAD7-related condition. Last evaluated: 2019-06-10. Review status: no assertion criteria provided. Collection method: clinical testing. Allele origin: germline.
Comment: This variant is classified as likely benign based on ACMG/AMP sequence variant interpretation guidelines (Richards et al. 2015 PMID: 25741868, with internal and published modifications).

NM_005904.4(SMAD7):c.255C>T (p.Ala85=)

Genes: SMAD7 (SMAD family member 7; minus strand), LOC130062470 (ATAC-STARR-seq lymphoblastoid silent region 9439; plus strand). Cytogenetic location: 18q21.1.
Variant type: single nucleotide variant.
Coding change: c.255C>T on transcript NM_005904.4 (MANE Select); coding-DNA position 255, C replaced by T.
Protein change: p.Ala85=; no amino-acid change (alanine 85 retained).
Molecular consequence: synonymous variant.
Genome position (GRCh38, 1-based): chr18:48,950,170, G>A on the plus strand (C>T on the coding strand, the complement: SMAD7 is on the minus strand). VCF-style: chr18-48950170-G-A. GRCh37 (hg19) VCF-style: chr18-46476540-G-A.
Other names: c.255C>T, p.Ala85= (NM_001190821.2).
Identifiers: ClinVar variation 3034497 (VCV003034497.2), dbSNP rs939657757, ClinGen allele CA299948927.